The following is an entry in ClinVar:

ClinVar aggregate classification (germline): Uncertain significance (1 of 4 stars; one submission).

Conditions:
Atrioventricular septal defect 4 (AVSD4). Identifiers: MedGen C3280781, MONDO:0013747, OMIM 614430.

Allele frequency attached by ClinVar (database versions not stated): TOPMed below 0.00001.
gnomAD v4.1: 2 of 1,584,454 alleles (0.00013%); highest among the groups gnomAD compares: Admixed American, 0.0017%; no homozygotes.

Submission:

Labcorp Genetics (formerly Invitae), Labcorp
Classification: Uncertain significance for Atrioventricular septal defect 4. Last evaluated: 2022-08-16. Review status: criteria provided, single submitter. Criteria: Invitae Variant Classification Sherloc (09022015). Collection method: clinical testing. Allele origin: germline.
Comment: In summary, the available evidence is currently insufficient to determine the role of this variant in disease. Therefore, it has been classified as a Variant of Uncertain Significance. This variant disrupts the p.Ala8 amino acid residue in GATA4. Other variant(s) that disrupt this residue have been determined to be pathogenic (PMID: 30152191). This suggests that this residue is clinically significant, and that variants that disrupt this residue are likely to be disease-causing. Algorithms developed to predict the effect of missense changes on protein structure and function are either unavailable or do not agree on the potential impact of this missense change (SIFT: "Tolerated"; PolyPhen-2: "Possibly Damaging"; Align-GVGD: "Class C0"). ClinVar contains an entry for this variant (Variation ID: 851716). This variant has not been reported in the literature in individuals affected with GATA4-related conditions. The frequency data for this variant in the population databases is considered unreliable, as metrics indicate poor data quality at this position in the gnomAD database. This sequence change replaces alanine, which is neutral and non-polar, with serine, which is neutral and polar, at codon 8 of the GATA4 protein (p.Ala8Ser).

Literature cited by the submitters: PubMed 30152191.

NM_001308093.3(GATA4):c.22G>T (p.Ala8Ser)

Gene: GATA4 (GATA binding protein 4). Cytogenetic location: 8p23.1.
Variant type: single nucleotide variant.
Coding change: c.22G>T on transcript NM_001308093.3 (MANE Select); coding-DNA position 22, G replaced by T.
Protein change: p.Ala8Ser; replaces alanine 8 with serine.
Molecular consequence: missense variant. On other transcripts: intron variant (3).
Genome position (GRCh38, 1-based): chr8:11,708,334, G>T. VCF-style: chr8-11708334-G-T. GRCh37 (hg19) VCF-style: chr8-11565843-G-T.
Other names: c.22G>T, p.Ala8Ser (NM_002052.5); c.-6+7556G>T (NM_001308094.2); c.-3+320G>T (NM_001374274.1); c.-3+4030G>T (NM_001374273.1); short protein forms A8S.
Identifiers: ClinVar variation 851716 (VCV000851716.9), dbSNP rs1386678141, ClinGen allele CA370308492.